The following is an entry in ClinVar:

ClinVar aggregate classification (germline): Benign. Review status: criteria provided, multiple submitters, no conflicts (2 of 4 stars). 2 submissions from 2 submitters: Benign (2). Last evaluated 2018-06-19.

Allele frequency attached by ClinVar (database versions not stated): 1000 Genomes Project 30x 0.09681; gnomAD exomes 0.12632; TOPMed 0.09389; 1000 Genomes Project 0.09984.
gnomAD v4.1: 118,096 of 963,254 alleles (12%); highest among the groups gnomAD compares: South Asian, 17%; 8,064 homozygotes.

Submissions (4):

GeneDx
Classification: Benign. Last evaluated: 2018-06-19. Review status: criteria provided, single submitter. Criteria: GeneDx Variant Classification (06012015). Collection method: clinical testing. Allele origin: germline. Affected: yes.
Comment: This variant is considered likely benign or benign based on one or more of the following criteria: it is a conservative change, it occurs at a poorly conserved position in the protein, it is predicted to be benign by multiple in silico algorithms, and/or has population frequency not consistent with disease.

Breakthrough Genomics
Classification: Benign. Review status: criteria provided, single submitter. Criteria: ACMG Guidelines, 2015. Collection method: not provided. Allele origin: germline. Inheritance: Autosomal recessive inheritance. Affected: yes.

Dr. Peter K. Rogan Lab, Western University
No classification provided (evidence only). Condition: Malignant lymphoma, large B-cell, diffuse. Review status: no classification provided. Collection method: in vitro. Allele origin: not applicable. Functional consequence: retained intron. Not counted in ClinVar's aggregate classification.

Dr. Peter K. Rogan Lab, Western University
No classification provided (evidence only). Condition: Cholangiocarcinoma. Review status: no classification provided. Collection method: in vitro. Allele origin: not applicable. Functional consequence: skipped exon, retained intron. Not counted in ClinVar's aggregate classification.

NM_000089.4(COL1A2):c.3106-104G>A

Gene: COL1A2 (collagen type I alpha 2 chain; plus strand). Cytogenetic location: 7q21.3.
Variant type: single nucleotide variant.
Coding change: c.3106-104G>A on transcript NM_000089.4 (MANE Select); 104 bases into the intron before coding-DNA position 3106, G replaced by A.
Molecular consequence: intron variant.
Genome position (GRCh38, 1-based): chr7:94,426,904, G>A. VCF-style: chr7-94426904-G-A. GRCh37 (hg19) VCF-style: chr7-94056216-G-A.
Other names: NC_000007.13:g.94056216G>A.
Identifiers: ClinVar variation 675067 (VCV000675067.3), dbSNP rs7805430, ClinGen allele CA15510583.
Genomic context (GRCh38, chr7:94,426,904, plus strand): 5'-AATATAATAGACATAATGGGAGAAAAGAGCCCCACTTTACATTTTCAATTTTCTCAATCC[G>A]GAGTCCATTTAACTAAAGTTTCCCATTCAATTTGGAAAAAAAAAAAAAATATGTCTCTTG-3'